The following is an entry in ClinVar:

NM_001371333.1(DIABLO):c.268_271del (p.Ser90fs)

Gene: DIABLO (diablo IAP-binding mitochondrial protein; minus strand). Cytogenetic location: 12q24.31.
Variant type: Microsatellite.
Coding change: c.268_271del on transcript NM_001371333.1 (MANE Select); coding-DNA positions 268 to 271, 4 bases deleted (TCTC; older notation c.268_271delTCTC).
Protein change: p.Ser90fs; shifts the reading frame from serine 90.
Molecular consequence: frameshift variant. On other transcripts: intron variant (2).
Genome position (GRCh38, 1-based): chr12:122,218,310-122,218,313, GAGA deleted on the plus strand (TCTC on the coding strand, the reverse complement: DIABLO is on the minus strand); deleting any 4 consecutive bases within chr12:122,218,310-122,218,317 gives the same sequence; the c. name uses the placement nearest the transcript's 3' end. VCF-style (leftmost placement, unchanged base first): chr12-122218309-TGAGA-T. GRCh37 (hg19) VCF-style: chr12-122702856-TGAGA-T.
Other names: c.49_52del, p.Ser17fs (NM_001278303.1); c.109_112del, p.Ser37fs (NM_001278304.2, NM_138930.3); c.268_271del, p.Ser90fs (NM_019887.6); c.184-1448TC[2] (NM_001278342.1); c.25-1448TC[2] (NM_001278302.1); short protein forms S37fs, S17fs, S90fs.
Identifiers: ClinVar variation 2966277 (VCV002966277.3), dbSNP rs763817921, ClinGen allele CA952688727.

ClinVar aggregate classification (germline): Uncertain significance (1 of 4 stars; one submission).

Submission:

Labcorp Genetics (formerly Invitae), Labcorp
Classification: Uncertain significance. Last evaluated: 2023-04-03. Review status: criteria provided, single submitter. Criteria: Invitae Variant Classification Sherloc (09022015). Collection method: clinical testing. Allele origin: germline.
Comment: This variant is not present in population databases (gnomAD no frequency). This variant has not been reported in the literature in individuals affected with DIABLO-related conditions. Algorithms developed to predict the effect of sequence changes on RNA splicing suggest that this variant may disrupt the consensus splice site. In summary, the available evidence is currently insufficient to determine the role of this variant in disease. Therefore, it has been classified as a Variant of Uncertain Significance. This sequence change creates a premature translational stop signal (p.Ser90Argfs*6) in the DIABLO gene. It is expected to result in an absent or disrupted protein product. However, the current clinical and genetic evidence is not sufficient to establish whether loss-of-function variants in DIABLO cause disease.